The following is an entry in ClinVar:

ClinVar aggregate classification (germline): Uncertain significance. Review status: criteria provided, single submitter (1 of 4 stars). 2 submissions from 2 submitters: Uncertain significance (1). 1 of the submissions does not count toward it. Last evaluated 2026-07-23.

Conditions:
Inborn genetic diseases. Identifiers: MedGen C0950123, MeSH D030342.
MYO7A-related disorder. Also called: MYO7A-related disorders.

gnomAD v4.1: 2 of 1,614,006 alleles (0.00012%); highest among the groups gnomAD compares: Non-Finnish European, 0.00017%; no homozygotes.

Submissions (2):

Ambry Genetics
Classification: Uncertain significance for Inborn genetic diseases. Last evaluated: 2026-07-23. Review status: criteria provided, single submitter. Criteria: Ambry Variant Classification Scheme 2023. Collection method: clinical testing. Allele origin: germline.

PreventionGenetics, part of Exact Sciences
Classification: Uncertain significance for MYO7A-related condition. Last evaluated: 2024-05-17. Review status: no assertion criteria provided. Collection method: clinical testing. Allele origin: germline. Not counted in ClinVar's aggregate classification.
Comment: The MYO7A c.619A>G variant is predicted to result in the amino acid substitution p.Asn207Asp. To our knowledge, this variant has not been reported in the literature or in a large population database, indicating this variant is rare. An alternate substitution impacting the same amino acid (p.Asn207Ser) has been reported in the homozygous state in an individual with congenital non-syndromic hearing loss (Brownstein et al. 2014. PubMed ID: 24105371). The p.Asn207 amino acid is highly conserved, and has been reported to be a critical residue of the MYO7A active site that is essential for nucleotide binding and hydrolysis (Brownstein et al. 2014. PubMed ID: 24105371). Although we suspect that this variant may be pathogenic, at this time, the clinical significance of this variant is uncertain due to the absence of conclusive functional and genetic evidence.

NM_000260.4(MYO7A):c.619A>G (p.Asn207Asp)

Gene: MYO7A (myosin VIIA; plus strand). Cytogenetic location: 11q13.5.
Variant type: single nucleotide variant.
Coding change: c.619A>G on transcript NM_000260.4 (MANE Select); coding-DNA position 619, A replaced by G.
Protein change: p.Asn207Asp; replaces asparagine 207 with aspartic acid.
Molecular consequence: missense variant.
Genome position (GRCh38, 1-based): chr11:77,156,888, A>G. VCF-style: chr11-77156888-A-G. GRCh37 (hg19) VCF-style: chr11-76867934-A-G.
Other names: c.619A>G, p.Asn207Asp (NM_001127180.2); c.586A>G, p.Asn196Asp (NM_001369365.1); short protein forms N196D, N207D.
Identifiers: ClinVar variation 3346261 (VCV003346261.2).